The following is an entry in ClinVar:

ClinVar aggregate classification (germline): Pathogenic (1 of 4 stars; one submission).

Conditions:
USH2A-related disorder. Also called: USH2A-related condition; USH2A-related disorders. Identifiers: MedGen CN239332.

Submission:

Myriad Genetics, Inc.
Classification: Pathogenic for USH2A-related disorder. Last evaluated: 2024-10-23. Review status: criteria provided, single submitter. Criteria: Myriad Autosomal Dominant, Autosomal Recessive and X-Linked Classification Criteria (2023). Collection method: clinical testing. Allele origin: unknown.
Comment: NM_206933.2(USH2A):c.3096_3100del5(D1033Lfs*44) is expected to be pathogenic in the context of USH2A-related disorders. This variant is predicted to lead to an abnormal or absent protein product due to the creation of a premature termination codon in USH2A, a gene where loss-of-function variants are known to be pathogenic. Please note: this variant was assessed in the context of healthy population screening.

NM_206933.4(USH2A):c.3096_3100del (p.Asp1033fs)

Genes: USH2A (usherin; minus strand), USH2A-AS1 (USH2A antisense RNA 1; plus strand). Cytogenetic location: 1q41.
Variant type: Deletion.
Coding change: c.3096_3100del on transcript NM_206933.4 (MANE Select); coding-DNA positions 3096 to 3100, 5 bases deleted (TGATG; older notation c.3096_3100delTGATG).
Protein change: p.Asp1033fs; shifts the reading frame from aspartic acid 1033.
Molecular consequence: frameshift variant.
Genome position (GRCh38, 1-based): chr1:216,217,444-216,217,448, CATCA deleted on the plus strand (TGATG on the coding strand, the reverse complement: USH2A is on the minus strand); deleting any 5 consecutive bases within chr1:216,217,444-216,217,450 gives the same sequence; the c. name uses the placement nearest the transcript's 3' end. VCF-style (leftmost placement, unchanged base first): chr1-216217443-GCATCA-G. GRCh37 (hg19) VCF-style: chr1-216390785-GCATCA-G.
Other names: c.3096_3100del, p.Asp1033fs (NM_007123.6); short protein forms D1033fs.
Identifiers: ClinVar variation 5013675 (VCV005013675.1).